The following is an entry in ClinVar:

ClinVar aggregate classification (germline): Benign/Likely benign. Review status: criteria provided, multiple submitters, no conflicts (2 of 4 stars). 6 submissions from 6 submitters: Benign (1); Likely benign (5). Last evaluated 2026-09-01.

Conditions:
Hereditary cancer-predisposing syndrome. Also called: Hereditary neoplastic syndrome; Neoplastic Syndromes, Hereditary; Hereditary Cancer Syndrome; Tumor predisposition. Identifiers: Orphanet 140162, MedGen C0027672, MeSH D009386, MONDO:0015356.
Von Hippel-Lindau syndrome (VHLS). Also called: VHL syndrome; Von Hippel-Lindau; von Hippel–Lindau syndrome. Identifiers: Orphanet 892, MedGen C0019562, MONDO:0008667, OMIM 193300. Disease mechanism: loss of function.
Chuvash polycythemia. Also called: POLYCYTHEMIA, VHL-DEPENDENT. Identifiers: Orphanet 238557, MedGen C1837915, MONDO:0009892, OMIM 263400.

Allele frequency attached by ClinVar (database versions not stated): gnomAD exomes below 0.00001.
gnomAD v4.1: 1 of 1,538,028 alleles (0.000065%); highest among the groups gnomAD compares: Non-Finnish European, 0.000088%; no homozygotes.

Submissions (6):

CeGaT Center for Human Genetics Tuebingen
Classification: Likely benign. Last evaluated: 2026-09-01. Review status: criteria provided, single submitter. Criteria: CeGaT Center For Human Genetics Tuebingen Variant Classification Criteria Version 2. Collection method: clinical testing. Allele origin: germline. Affected: yes. Observed: 1 variant allele.
Comment: VHL: BP4, BP7

Labcorp Genetics (formerly Invitae), Labcorp
Classification: Likely benign for Von Hippel-Lindau syndrome; Chuvash polycythemia. Last evaluated: 2025-11-10. Review status: criteria provided, single submitter. Criteria: Invitae Variant Classification Sherloc (09022015). Collection method: clinical testing. Allele origin: germline.

Myriad Genetics, Inc.
Classification: Benign for Von Hippel-Lindau syndrome. Last evaluated: 2025-06-10. Review status: criteria provided, single submitter. Criteria: Myriad Autosomal Dominant, Autosomal Recessive and X-Linked Classification Criteria (2023). Collection method: clinical testing. Allele origin: unknown.
Comment: This variant is considered benign. This variant is a silent/synonymous amino acid change and it is not expected to impact splicing.

All of Us Research Program, National Institutes of Health
Classification: Likely benign for Von Hippel-Lindau syndrome. Last evaluated: 2024-04-17. Review status: criteria provided, single submitter. Criteria: ACMG Guidelines, 2015. Collection method: clinical testing. Allele origin: germline. Inheritance: Autosomal dominant inheritance. Observed: 2 variant alleles, 2 heterozygotes.
Comment: This study involves interpretation of variants in research participants for the purpose of population health screening. Participant phenotype was not available at the time of variant classification. Additional details can be found in publication PMID: 35346344, PMCID: PMC8962531

Ambry Genetics
Classification: Likely benign for Hereditary cancer-predisposing syndrome. Last evaluated: 2022-03-04. Review status: criteria provided, single submitter. Criteria: Ambry Variant Classification Scheme 2023. Collection method: clinical testing. Allele origin: germline.

GeneDx
Classification: Likely benign. Last evaluated: 2016-08-29. Review status: criteria provided, single submitter. Criteria: GeneDx Variant Classification (06012015). Collection method: clinical testing. Allele origin: germline. Affected: yes.
Comment: This variant is considered likely benign or benign based on one or more of the following criteria: it is a conservative change, it occurs at a poorly conserved position in the protein, it is predicted to be benign by multiple in silico algorithms, and/or has population frequency not consistent with disease.

NM_000551.4(VHL):c.66G>A (p.Glu22=)

Gene: VHL (von Hippel-Lindau tumor suppressor; plus strand). Cytogenetic location: 3p25.3.
Variant type: single nucleotide variant.
Coding change: c.66G>A on transcript NM_000551.4 (MANE Select); coding-DNA position 66, G replaced by A.
Protein change: p.Glu22=; no amino-acid change (glutamic acid 22 retained).
Molecular consequence: synonymous variant.
Genome position (GRCh38, 1-based): chr3:10,141,913, G>A. VCF-style: chr3-10141913-G-A. GRCh37 (hg19) VCF-style: chr3-10183597-G-A.
Other names: c.66G>A, p.Glu22= (NM_001354723.2, NM_198156.3).
Identifiers: ClinVar variation 389023 (VCV000389023.14), dbSNP rs768452685, ClinGen allele CA16604336.
Genomic context (GRCh38, chr3:10,141,913, plus strand): 5'-CCGGAGGGCGGAGAACTGGGACGAGGCCGAGGTAGGCGCGGAGGAGGCAGGCGTCGAAGA[G>A]TACGGCCCTGAAGAAGACGGCGGGGAGGAGTCGGGCGCCGAGGAGTCCGGCCCGGAAGAG-3'
Protein context (NP_000542.1, residues 12-32): EVGAEEAGVE[Glu22=]YGPEEDGGEE